The following is an entry in ClinVar:

NM_015215.4(CAMTA1):c.3654C>T (p.Asn1218=)

Gene: CAMTA1 (calmodulin binding transcription activator 1; plus strand). Cytogenetic location: 1p36.23.
Variant type: single nucleotide variant.
Coding change: c.3654C>T on transcript NM_015215.4 (MANE Select); coding-DNA position 3654, C replaced by T.
Protein change: p.Asn1218=; no amino-acid change (asparagine 1218 retained).
Molecular consequence: synonymous variant.
Genome position (GRCh38, 1-based): chr1:7,737,566, C>T. VCF-style: chr1-7737566-C-T. GRCh37 (hg19) VCF-style: chr1-7797626-C-T.
Other names: c.3564C>T, p.Asn1188= (NM_001349608.2, NM_001349612.2); c.3654C>T, p.Asn1218= (NM_001349609.2, NM_001349610.2, NM_001410737.1); c.783C>T, p.Asn261= (NM_001349613.1); c.726C>T, p.Asn242= (NM_001349614.1, NM_001349615.2, NM_001349616.2 and 10 more transcripts); c.3582C>T, p.Asn1194= (NM_001410738.1).
Identifiers: ClinVar variation 2176498 (VCV002176498.26), dbSNP rs368260763, ClinGen allele CA566993.

ClinVar aggregate classification (germline): Likely benign. Review status: criteria provided, multiple submitters, no conflicts (2 of 4 stars). 2 submissions from 2 submitters: Likely benign (2). Last evaluated 2025-04-01.

Allele frequency attached by ClinVar (database versions not stated): ExAC 0.00007; TOPMed 0.00007; gnomAD exomes 0.00010; gnomAD 0.00012; ESP Exome Variant Server 0.00023.
gnomAD v4.1: 177 of 1,601,316 alleles (0.011%); highest among the groups gnomAD compares: Non-Finnish European, 0.013%; no homozygotes.

Submissions (2):

CeGaT Center for Human Genetics Tuebingen
Classification: Likely benign. Last evaluated: 2025-04-01. Review status: criteria provided, single submitter. Criteria: CeGaT Center For Human Genetics Tuebingen Variant Classification Criteria Version 2. Collection method: clinical testing. Allele origin: germline. Affected: yes. Observed: 2 variant alleles.
Comment: CAMTA1: BP4, BP7

Labcorp Genetics (formerly Invitae), Labcorp
Classification: Likely benign. Last evaluated: 2022-12-20. Review status: criteria provided, single submitter. Criteria: Invitae Variant Classification Sherloc (09022015). Collection method: clinical testing. Allele origin: germline.